The following is an entry in ClinVar:

ClinVar aggregate classification (germline): Uncertain significance. Review status: criteria provided, multiple submitters, no conflicts (2 of 4 stars). 9 submissions from 9 submitters: Uncertain significance (8). 1 of the submissions does not count toward it. Last evaluated 2026-04-16.
ClinVar aggregate classification (oncogenicity): Uncertain significance (1 of 4 stars; one submission).

Conditions:
Hereditary cancer-predisposing syndrome. Also called: Neoplastic Syndromes, Hereditary; Hereditary neoplastic syndrome; Hereditary Cancer Syndrome; Tumor predisposition. Identifiers: Orphanet 140162, MedGen C0027672, MeSH D009386, MONDO:0015356.
POLD1-related polyposis and colorectal cancer syndrome (CRCS10). Also called: Colorectal cancer, susceptibility to, 10; Colorectal cancer 10; COLORECTAL CANCER, SUSCEPTIBILITY TO, ON CHROMOSOME 19q. Identifiers: Orphanet 220460, MedGen C2675481, MONDO:0012953, OMIM 612591.
POLD1-related disorder. Also called: POLD1-related disorders; POLD1-related condition.
Neoplasm. Also called: tumor; Neoplasms; Neoplasm (disease). Identifiers: MedGen C0027651, MeSH D009369, MONDO:0005070, HP:0002664.

Submissions (10):

Women's Health and Genetics/Laboratory Corporation of America, LabCorp
Classification: Uncertain significance. Last evaluated: 2026-04-16. Review status: criteria provided, single submitter. Criteria: LabCorp Variant Classification Summary - May 2015. Collection method: clinical testing. Allele origin: germline.
Comment: Variant summary: POLD1 c.3305delC (p.Pro1102LeufsX22) causes a frameshift which results in an extension of the protein. The variant allele was found at a frequency of 2.1e-05 in 240886 control chromosomes. The available data on variant occurrences in the general population are insufficient to allow any conclusion about variant significance. To our knowledge, no occurrence of c.3305delC in individuals affected with POLD1-related conditions and no experimental evidence demonstrating its impact on protein function have been reported. ClinVar contains an entry for this variant (Variation ID: 408095). Based on the evidence outlined above, the variant was classified as uncertain significance.

PreventionGenetics, part of Exact Sciences
Classification: Uncertain significance for POLD1-related condition. Last evaluated: 2026-01-07. Review status: criteria provided, single submitter. Criteria: ACMG Guidelines, 2015. Collection method: clinical testing. Allele origin: germline.
Comment: The POLD1 c.3305delC variant is predicted to result in a frameshift and premature protein termination (p.Pro1102Leufs*22). This variant results in the last 6 amino acids being disrupted and extends the protein by 15 additional amino acids (p.Pro1102Leufs*22). This variant has been reported in individuals with lung squamous cell carcinoma, acute leukemia, and breast cancer (Supplementary data 2, Lu et al. 2015. PubMed ID: 26689913; Alsultan et al. 2020. PubMed ID: 32359129; Mur et al. 2020. PubMed ID: 32792570). This variant is reported in 0.013% of alleles in individuals of African descent in gnomAD and is interpreted as uncertain in ClinVar (Variation ID: 408095). At this time, the clinical significance of this variant is uncertain due to the absence of conclusive functional and genetic evidence.

Labcorp Genetics (formerly Invitae), Labcorp
Classification: Uncertain significance for POLD1-related polyposis and colorectal cancer syndrome. Last evaluated: 2025-12-13. Review status: criteria provided, single submitter. Criteria: Invitae Variant Classification Sherloc (09022015). Collection method: clinical testing. Allele origin: germline.
Comment: This sequence change is expected to alter the c-terminus of the POLD1 protein (p.Pro1102Leufs*22). While this is not anticipated to result in nonsense mediated decay, it is expected to disrupt the last 6 amino acid(s) of the POLD1 protein and extend the protein by 15 additional amino acid residues. This variant is present in population databases (rs761614971, gnomAD 0.01%). This frameshift has been observed in individual(s) with acute lymphoblastic leukemia, breast cancer, and/or osteosarcoma (PMID: 32191290, 32359129, 32792570). ClinVar contains an entry for this variant (Variation ID: 408095). In summary, the available evidence is currently insufficient to determine the role of this variant in disease. Therefore, it has been classified as a Variant of Uncertain Significance.

Ambry Genetics
Classification: Uncertain significance for Hereditary cancer-predisposing syndrome. Last evaluated: 2025-09-12. Review status: criteria provided, single submitter. Criteria: Ambry Variant Classification Scheme 2023. Collection method: clinical testing. Allele origin: germline.
Comment: The c.3305delC variant, located in coding exon 26 of the POLD1 gene, results from a deletion of one nucleotide at nucleotide position 3305, causing a translational frameshift with a predicted alternate stop codon (p.P1102Lfs*22). This alteration occurs at the 3' terminus of thePOLD1 gene, is not expected to trigger nonsense-mediated mRNAdecay and results in the elongation of the protein by 15 amino acids. This frameshift impacts the last 6amino acids of the native protein. The exact functional effect of the altered amino acids is unknown. The evidence for this gene-disease relationship is limited; therefore, the clinical significance of this alteration is unclear.

Center for Genomic Medicine, Rigshospitalet, Copenhagen University Hospital
Classification: Uncertain significance for Neoplasm. Last evaluated: 2025-03-04. Review status: criteria provided, single submitter. Criteria: ClinGen/CGC/VICC Guidelines for Oncogenicity, 2022. Collection method: clinical testing. Allele origin: somatic. Affected: yes.

Mayo Clinic Laboratories, Mayo Clinic
Classification: Uncertain significance. Last evaluated: 2024-12-31. Review status: criteria provided, single submitter. Criteria: ACMG Guidelines, 2015. Collection method: clinical testing. Allele origin: germline. Observed: 1 variant allele.

GeneDx
Classification: Uncertain significance. Last evaluated: 2023-10-08. Review status: criteria provided, single submitter. Criteria: GeneDx Variant Classification Process June 2021. Collection method: clinical testing. Allele origin: germline. Affected: yes.
Comment: Frameshift variant predicted to result in abnormal protein length as the last 6 amino acids are replaced with 21 different amino acids in a gene for which loss-of-function is not an established mechanism of disease; Observed in patients with pediatric leukemia, osteosarcoma, breast, or lung cancers (Lu et al., 2015; Alsultan et al., 2020; Mur et al., 2020; Zhang et al., 2015; Mirabello et al., 2020); This variant is associated with the following publications: (PMID: 32359129, 26689913, 32191290, 32792570, 26580448, 36451132)

Genetic Services Laboratory, University of Chicago
Classification: Uncertain significance. Last evaluated: 2019-09-12. Review status: criteria provided, single submitter. Criteria: ACMG Guidelines, 2015. Collection method: clinical testing. Allele origin: germline. Affected: no.

Quest Diagnostics Nichols Institute San Juan Capistrano
Classification: Uncertain significance. Last evaluated: 2018-02-15. Review status: criteria provided, single submitter. Criteria: Quest Diagnostics criteria. Collection method: clinical testing. Allele origin: germline.

Counsyl
Classification: Uncertain significance for POLD1-related polyposis and colorectal cancer syndrome. Last evaluated: 2017-07-21. Review status: no assertion criteria provided. Collection method: clinical testing. Allele origin: unknown. Not counted in ClinVar's aggregate classification.

Literature cited by the submitters: PubMed 32191290 (cited by 3 submitters); PubMed 32359129 (cited by 3 submitters); PubMed 32792570 (cited by 3 submitters); PubMed 26689913 (cited by Mayo Clinic Laboratories, Mayo Clinic and Counsyl); PubMed 26580448 (cited by Counsyl).

NM_002691.4(POLD1):c.3305del (p.Pro1102fs)

Gene: POLD1 (DNA polymerase delta 1, catalytic subunit; plus strand). Cytogenetic location: 19q13.33.
Variant type: Deletion.
Coding change: c.3305del on transcript NM_002691.4 (MANE Select); coding-DNA position 3305, one base deleted (C; older notation c.3305delC).
Protein change: p.Pro1102fs; shifts the reading frame from proline 1102.
Molecular consequence: frameshift variant. On other transcripts: non-coding transcript variant (1).
Genome position (GRCh38, 1-based): chr19:50,417,928, C deleted; the last of 5 consecutive C bases (chr19:50,417,924-50,417,928); deleting any one gives the same sequence. VCF-style (leftmost placement, unchanged base first): chr19-50417923-AC-A. GRCh37 (hg19) VCF-style: chr19-50921180-AC-A.
Other names: p.Pro1102Leufs*22; c.3305del, p.Pro1102fs (NM_001256849.1); c.3383del, p.Pro1128fs (NM_001308632.1); c.3305delC (NM_002691.4, NM_001256849.1); short protein forms P1102fs, P1128fs.
Identifiers: ClinVar variation 408095 (VCV000408095.34), dbSNP rs761614971, ClinGen allele CA9596843.